The following is an entry in ClinVar:

NM_198578.4(LRRK2):c.895G>C (p.Val299Leu)

Gene: LRRK2 (leucine rich repeat kinase 2; plus strand). Cytogenetic location: 12q12.
Variant type: single nucleotide variant.
Coding change: c.895G>C on transcript NM_198578.4 (MANE Select); coding-DNA position 895, G replaced by C.
Protein change: p.Val299Leu; replaces valine 299 with leucine.
Molecular consequence: missense variant.
Genome position (GRCh38, 1-based): chr12:40,249,882, G>C. VCF-style: chr12-40249882-G-C. GRCh37 (hg19) VCF-style: chr12-40643684-G-C.
Other names: short protein forms V299L.
Identifiers: ClinVar variation 1765257 (VCV001765257.2), dbSNP rs1426210306, ClinGen allele CA384407063.

ClinVar aggregate classification (germline): Uncertain significance (1 of 4 stars; one submission).

Conditions:
Inborn genetic diseases. Identifiers: MedGen C0950123, MeSH D030342.

Allele frequency attached by ClinVar (database versions not stated): gnomAD exomes below 0.00001; TOPMed 0.00001.

Submission:

Ambry Genetics
Classification: Uncertain significance for Inborn genetic diseases. Last evaluated: 2023-11-02. Review status: criteria provided, single submitter. Criteria: Ambry Variant Classification Scheme 2023. Collection method: clinical testing. Allele origin: germline.
Comment: The p.V299L variant (also known as c.895G>C), located in coding exon 8 of the LRRK2 gene, results from a G to C substitution at nucleotide position 895. The valine at codon 299 is replaced by leucine, an amino acid with highly similar properties. This amino acid position is conserved. In addition, this alteration is predicted to be tolerated by in silico analysis. Since supporting evidence is limited at this time, the clinical significance of this alteration remains unclear.